The following is an entry in ClinVar:

NM_000038.6(APC):c.2537C>G (p.Ser846Cys)

Gene: APC (APC regulator of Wnt signaling pathway; plus strand). Cytogenetic location: 5q22.2.
Variant type: single nucleotide variant.
Coding change: c.2537C>G on transcript NM_000038.6 (MANE Select); coding-DNA position 2537, C replaced by G.
Protein change: p.Ser846Cys; replaces serine 846 with cysteine.
Molecular consequence: missense variant.
Genome position (GRCh38, 1-based): chr5:112,838,131, C>G. VCF-style: chr5-112838131-C-G. GRCh37 (hg19) VCF-style: chr5-112173828-C-G.
Other names: c.2537C>G, p.Ser846Cys (NM_001127510.3, NM_001354895.2, NM_001407450.1); c.2483C>G, p.Ser828Cys (NM_001127511.3); c.2591C>G, p.Ser864Cys (NM_001354896.2, NM_001407447.1, NM_001407448.1 and 1 more transcripts); c.2567C>G, p.Ser856Cys (NM_001354897.2); c.2462C>G, p.Ser821Cys (NM_001354898.2); c.2453C>G, p.Ser818Cys (NM_001354899.2); c.2414C>G, p.Ser805Cys (NM_001354900.2); c.2360C>G, p.Ser787Cys (NM_001354901.2, NM_001407453.1); and 11 more; short protein forms S563C, S717C, S818C, S828C, S856C, S462C, S720C, S787C.
Identifiers: ClinVar variation 1792771 (VCV001792771.2), dbSNP rs1765206069, ClinGen allele CA16026890.

ClinVar aggregate classification (germline): Uncertain significance (1 of 4 stars; one submission).

Conditions:
Hereditary cancer-predisposing syndrome. Also called: Tumor predisposition; Hereditary Cancer Syndrome; Neoplastic Syndromes, Hereditary; Hereditary neoplastic syndrome. Identifiers: Orphanet 140162, MedGen C0027672, MeSH D009386, MONDO:0015356.

Submission:

Ambry Genetics
Classification: Uncertain significance for Hereditary cancer-predisposing syndrome. Last evaluated: 2020-08-11. Review status: criteria provided, single submitter. Criteria: Ambry Variant Classification Scheme 2023. Collection method: clinical testing. Allele origin: germline.
Comment: The p.S846C variant (also known as c.2537C>G), located in coding exon 15 of the APC gene, results from a C to G substitution at nucleotide position 2537. The serine at codon 846 is replaced by cysteine, an amino acid with dissimilar properties. This amino acid position is well conserved in available vertebrate species. In addition, in silico predictors for this gene do not accurately predict pathogenicity. Since supporting evidence is limited at this time, the clinical significance of this alteration remains unclear.